The following is an entry in ClinVar:

NM_012330.4(KAT6B):c.1513C>G (p.Pro505Ala)

Gene: KAT6B (lysine acetyltransferase 6B; plus strand). Cytogenetic location: 10q22.2.
Variant type: single nucleotide variant.
Coding change: c.1513C>G on transcript NM_012330.4 (MANE Select); coding-DNA position 1513, C replaced by G.
Protein change: p.Pro505Ala; replaces proline 505 with alanine.
Molecular consequence: missense variant. On other transcripts: intron variant (13).
Genome position (GRCh38, 1-based): chr10:74,975,850, C>G. VCF-style: chr10-74975850-C-G. GRCh37 (hg19) VCF-style: chr10-76735608-C-G.
Other names: c.1513C>G, p.Pro505Ala (NM_001370136.1, NM_001370137.1); c.1117+396C>G (NM_001370139.1, NM_001370140.1, NM_001370141.1 and 3 more transcripts); c.1444+69C>G (NM_001370138.1, NM_001256468.2); c.846+6075C>G (NM_001370133.1); c.193-3374C>G (NM_001370134.1); c.929-1466C>G (NM_001370143.1, NM_001370144.1); c.193-13169C>G (NM_001370135.1); short protein forms P505A.
Identifiers: ClinVar variation 1395568 (VCV001395568.6), dbSNP rs1842122441, ClinGen allele CA377286844.
Genomic context (GRCh38, chr10:74,975,850, plus strand): 5'-CAAAAGCTAAAACCTCCACCTTCTTCACTTCCACCCCCAACCCCCATCTCCGGTCAGAGC[C>G]CCAGTTCACAAAAGTCCAGCACGGCCACTTCTTCTCCCTCTCCCCAGAGTTCTTCCAGCC-3'
Protein context (NP_036462.2, residues 495-515): PPPTPISGQS[Pro505Ala]SSQKSSTATS

ClinVar aggregate classification (germline): Uncertain significance (1 of 4 stars; one submission).

Conditions:
Genitopatellar syndrome (GTPTS). Also called: Genitopatellar syndrome (GPS); ABSENT PATELLAE, SCROTAL HYPOPLASIA, RENAL ANOMALIES, FACIAL DYSMORPHISM, AND MENTAL RETARDATION. Identifiers: Orphanet 85201, MedGen C1853566, MONDO:0011640, OMIM 606170.

gnomAD v4.1: 3 of 1,614,166 alleles (0.00019%); highest among the groups gnomAD compares: Non-Finnish European, 0.00025%; no homozygotes.

Submission:

Labcorp Genetics (formerly Invitae), Labcorp
Classification: Uncertain significance for Genitopatellar syndrome. Last evaluated: 2025-05-14. Review status: criteria provided, single submitter. Criteria: Invitae Variant Classification Sherloc (09022015). Collection method: clinical testing. Allele origin: germline.
Comment: This sequence change replaces proline, which is neutral and non-polar, with alanine, which is neutral and non-polar, at codon 505 of the KAT6B protein (p.Pro505Ala). This variant is not present in population databases (gnomAD no frequency). This variant has not been reported in the literature in individuals affected with KAT6B-related conditions. ClinVar contains an entry for this variant (Variation ID: 1395568). An algorithm developed to predict the effect of missense changes on protein structure and function (PolyPhen-2) suggests that this variant is likely to be tolerated. In summary, the available evidence is currently insufficient to determine the role of this variant in disease. Therefore, it has been classified as a Variant of Uncertain Significance.